The following is an entry in ClinVar:

NM_017739.4(POMGNT1):c.951-1G>A

Genes: POMGNT1 (protein O-linked mannose N-acetylglucosaminyltransferase 1 (beta 1,2-); minus strand), TSPAN1 (tetraspanin 1; plus strand). Cytogenetic location: 1p34.1.
Variant type: single nucleotide variant.
Coding change: c.951-1G>A on transcript NM_017739.4 (MANE Select); the canonical splice acceptor site of the intron before coding-DNA position 951, G replaced by A.
Molecular consequence: splice acceptor variant.
Genome position (GRCh38, 1-based): chr1:46,193,640, C>T on the plus strand (G>A on the coding strand, the complement: POMGNT1 is on the minus strand). VCF-style: chr1-46193640-C-T. GRCh37 (hg19) VCF-style: chr1-46659312-C-T.
Other names: c.951-1G>A (NM_001243766.2, NM_001438686.1, NM_001438688.1 and 3 more transcripts); c.885-1G>A (NM_001290129.3, NM_001438691.1, NM_001438692.1); c.522-1G>A (NM_001290130.2).
Identifiers: ClinVar variation 4081771 (VCV004081771.1).

ClinVar aggregate classification (germline): Likely pathogenic (1 of 4 stars; one submission).

Conditions:
Myopathy caused by variation in POMGNT1. Identifiers: MedGen CN305639, MONDO:0700068.

Submission:

Myriad Genetics, Inc.
Classification: Likely pathogenic for Myopathy caused by variation in POMGNT1. Last evaluated: 2025-05-01. Review status: criteria provided, single submitter. Criteria: Myriad Autosomal Dominant, Autosomal Recessive and X-Linked Classification Criteria (2023). Collection method: clinical testing. Allele origin: unknown.
Comment: NM_017739.3(POMGNT1):c.951-1G>A is a variant in a canonical splice site classified as likely pathogenic in the context of POMGNT1-related disorders. c.951-1G>A has not been observed in cases with relevant disease. Relevant functional assessments of this variant are not available in the literature. c.951-1G>A has not been observed in referenced population frequency databases. In summary, NM_017739.3(POMGNT1):c.951-1G>A is a variant in a canonical splice site in a gene where loss of function is a known mechanism of disease and is predicted to disrupt protein function. Please note: this variant was assessed in the context of healthy population screening.